The following is an entry in ClinVar:

ClinVar aggregate classification (germline): Conflicting classifications of pathogenicity. Review status: criteria provided, conflicting classifications (1 of 4 stars). 2 submissions from 2 submitters: Uncertain significance (1); Likely benign (1). Last evaluated 2025-06-05.

Conditions:
TP63-related disorder. Also called: TP63-related condition; TP63-Related Disorders. Identifiers: MedGen CN380159.
TP63-Related Spectrum Disorders.

Allele frequency attached by ClinVar (database versions not stated): ExAC 0.00002; gnomAD exomes 0.00002; TOPMed 0.00002; gnomAD 0.00003; ESP Exome Variant Server 0.00008.
gnomAD v4.1: 37 of 1,613,950 alleles (0.0023%); highest among the groups gnomAD compares: Middle Eastern, 0.016%; no homozygotes.

Submissions (2):

PreventionGenetics, part of Exact Sciences
Classification: Likely benign for TP63-related condition. Last evaluated: 2025-06-05. Review status: criteria provided, single submitter. Criteria: ACMG Guidelines, 2015. Collection method: clinical testing. Allele origin: germline.
Comment: This variant is classified as likely benign based on ACMG/AMP sequence variant interpretation guidelines (Richards et al. 2015 PMID: 25741868, with internal and published modifications).

Labcorp Genetics (formerly Invitae), Labcorp
Classification: Uncertain significance. Last evaluated: 2024-12-08. Review status: criteria provided, single submitter. Criteria: Invitae Variant Classification Sherloc (09022015). Collection method: clinical testing. Allele origin: germline.
Comment: This sequence change replaces isoleucine, which is neutral and non-polar, with valine, which is neutral and non-polar, at codon 573 of the TP63 protein (p.Ile573Val). This variant is present in population databases (rs143884625, gnomAD 0.002%). This variant has not been reported in the literature in individuals affected with TP63-related conditions. ClinVar contains an entry for this variant (Variation ID: 2848456). Invitae Evidence Modeling of protein sequence and biophysical properties (such as structural, functional, and spatial information, amino acid conservation, physicochemical variation, residue mobility, and thermodynamic stability) indicates that this missense variant is not expected to disrupt TP63 protein function with a negative predictive value of 80%. In summary, the available evidence is currently insufficient to determine the role of this variant in disease. Therefore, it has been classified as a Variant of Uncertain Significance.

NM_003722.5(TP63):c.1717A>G (p.Ile573Val)

Gene: TP63 (tumor protein p63; plus strand). Cytogenetic location: 3q28.
Variant type: single nucleotide variant.
Coding change: c.1717A>G on transcript NM_003722.5 (MANE Select); coding-DNA position 1717, A replaced by G.
Protein change: p.Ile573Val; replaces isoleucine 573 with valine.
Molecular consequence: missense variant. On other transcripts: intron variant (6).
Genome position (GRCh38, 1-based): chr3:189,890,853, A>G. VCF-style: chr3-189890853-A-G. GRCh37 (hg19) VCF-style: chr3-189608642-A-G.
Other names: c.1435A>G, p.Ile479Val (NM_001114980.2); c.1180A>G, p.Ile394Val (NM_001329146.2); c.1705A>G, p.Ile569Val (NM_001329148.2); c.1711A>G, p.Ile571Val (NM_001329964.2); c.1652+1369A>G (NM_001114978.2); c.1508-3353A>G (NM_001329144.2); c.1370+1369A>G (NM_001114981.2); c.1226-3353A>G (NM_001329145.2); and 3 more; short protein forms I479V, I394V, I569V, I571V, I573V.
Identifiers: ClinVar variation 2848456 (VCV002848456.3), dbSNP rs143884625, ClinGen allele CA2752557.